The following is an entry in ClinVar:

NM_001323289.2(CDKL5):c.400C>T (p.Arg134Ter)

Gene: CDKL5 (cyclin dependent kinase like 5; plus strand). Cytogenetic location: Xp22.13.
Variant type: single nucleotide variant.
Coding change: c.400C>T on transcript NM_001323289.2 (MANE Select); coding-DNA position 400, C replaced by T.
Protein change: p.Arg134Ter; replaces arginine 134 with a stop codon.
Molecular consequence: nonsense.
Genome position (GRCh38, 1-based): chrX:18,579,965, C>T. VCF-style: chrX-18579965-C-T. GRCh37 (hg19) VCF-style: chrX-18598085-C-T.
Other names: p.R134*:CGA>TGA; NM_001323289.2(CDKL5):c.400C>T; p.Arg134Ter; c.400C>T, p.Arg134Ter (NM_001037343.2, NM_003159.3); short protein forms R134*.
Identifiers: ClinVar variation 143820 (VCV000143820.15), dbSNP rs267608472, ClinGen allele CA199287.

ClinVar aggregate classification (germline): Pathogenic. Review status: criteria provided, multiple submitters, no conflicts (2 of 4 stars). 5 submissions from 5 submitters: Pathogenic (4). 1 of the submissions does not count toward it. Last evaluated 2025-10-07.

Conditions:
CDKL5 disorder. Identifiers: MedGen CN296942, MONDO:0100039.
Developmental and epileptic encephalopathy, 2 (DEE2). Also called: INFANTILE SPASM SYNDROME, X-LINKED 2; CDKL5 deficiency disorder. Identifiers: Orphanet 1934, Orphanet 3451, Orphanet 505652, MedGen C4750718, MONDO:0010396, OMIM 300672.
Angelman syndrome-like. Identifiers: MedGen CN128785.

Submissions (5):

Labcorp Genetics (formerly Invitae), Labcorp
Classification: Pathogenic for Developmental and epileptic encephalopathy, 2; Angelman syndrome-like. Last evaluated: 2025-10-07. Review status: criteria provided, single submitter. Criteria: Invitae Variant Classification Sherloc (09022015). Collection method: clinical testing. Allele origin: germline.
Comment: This sequence change creates a premature translational stop signal (p.Arg134*) in the CDKL5 gene. It is expected to result in an absent or disrupted protein product. Loss-of-function variants in CDKL5 are known to be pathogenic (PMID: 22872100). This variant is not present in population databases (gnomAD no frequency). This premature translational stop signal has been observed in individual(s) with clinical features of CDKL5-related conditions (PMID: 21318334, 27334371). In at least one individual the variant was observed to be de novo. This variant is also known as chrX:18598085:C/T. ClinVar contains an entry for this variant (Variation ID: 143820). For these reasons, this variant has been classified as Pathogenic.

Institute of Human Genetics, University of Leipzig Medical Center
Classification: Pathogenic for Developmental and epileptic encephalopathy, 2. Last evaluated: 2025-03-24. Review status: criteria provided, single submitter. Criteria: ACMG Guidelines, 2015. Collection method: clinical testing. Allele origin: de novo. Inheritance: X-linked dominant inheritance. Affected: yes.
Comment: Criteria applied: PVS1,PS2,PS4,PM2_SUP

Centre for Population Genomics, CPG
Classification: Pathogenic for CDKL5 disorder. Last evaluated: 2024-07-16. Review status: criteria provided, single submitter. Criteria: McKnight et al. (Hum Mutat. 2022). Collection method: curation. Allele origin: germline. Inheritance: X-linked inheritance.
Comment: This variant has been collected from RettBASE and curated to current modified ACMG/AMP criteria. Based on the classification scheme defined by the ClinGen Rett/Angelman-like Expert Panel for Rett/AS-like Disorders Specifications to the ACMG/AMP Variant Interpretation Guidelines VCEP 3.0, this variant is classified as pathogenic. At least the following criteria are met: Predicted to result in loss of function, and LOF is a known mechanism of disease (PVS1). This variant is absent from gnomAD (PM2_Supporting). Has been observed in at least 2 individuals with phenotypes consistent with CDKL5 disorder (PS4_Supporting, PMIDs: 21318334, 27334371).

GeneDx
Classification: Pathogenic. Last evaluated: 2024-04-23. Review status: criteria provided, single submitter. Criteria: GeneDx Variant Classification Process June 2021. Collection method: clinical testing. Allele origin: germline. Affected: yes.
Comment: Identified in patients with CDKL5-related disorders in published literature (PMID: 25657822, 21318334); Identified in patients with features of a CDKL5-related disorder referred for genetic testing at GeneDx, including as an apparently de novo variant or a mosaic variant in multiple cases; Nonsense variant predicted to result in protein truncation or nonsense mediated decay in a gene for which loss of function is a known mechanism of disease; Not observed at significant frequency in large population cohorts (gnomAD); This variant is associated with the following publications: (PMID: 22678952, 21318334, 22670135, 28837158, 25525159, 27334371, 23064044, 30898514, 30776697, 31232219, 35483386, 35978140, 22872100, 31313283, 33047306, 25657822)

RettBASE
Classification: Pathogenic for Epileptic encephalopathy, early infantile, 2. Last evaluated: 2014-03-13. Review status: no assertion criteria provided. Collection method: curation. Allele origin: unknown. Affected: yes. Observed: 1 variant allele. Not counted in ClinVar's aggregate classification.

Literature cited by the submitters: PubMed 22872100 (cited by Labcorp Genetics (formerly Invitae), Labcorp); PubMed 21318334 (cited by Labcorp Genetics (formerly Invitae), Labcorp and RettBASE); PubMed 27334371 (cited by Labcorp Genetics (formerly Invitae), Labcorp).